The following is an entry in ClinVar:

NM_023110.3(FGFR1):c.94_95dup (p.Gln32fs)

Gene: FGFR1 (fibroblast growth factor receptor 1; minus strand). Cytogenetic location: 8p11.23.
Variant type: Duplication.
Coding change: c.94_95dup on transcript NM_023110.3 (MANE Select); coding-DNA positions 94 to 95, 2 bases duplicated (CA; older notation c.94_95dupCA).
Protein change: p.Gln32fs; shifts the reading frame from glutamine 32.
Molecular consequence: frameshift variant. On other transcripts: intron variant (5).
Genome position (GRCh38, 1-based): chr8:38,429,945-38,429,946, TG duplicated on the plus strand (CA on the coding strand, the reverse complement: FGFR1 is on the minus strand). VCF-style (leftmost placement, unchanged base first): chr8-38429944-C-CTG. GRCh37 (hg19) VCF-style: chr8-38287462-C-CTG.
Other names: c.94_95dup, p.Gln32Hisfs (NM_000604.2); c.94_95dup, p.Gln32fs (NM_001174063.2, NM_001174065.2, NM_001354367.2 and 3 more transcripts); c.70_71dup, p.Gln24fs (NM_001174064.2); c.193_194dup, p.Gln65fs (NM_001174067.2); c.92-1511_92-1510dup (NM_001354368.2, NM_001354370.2, NM_023106.3 and 2 more transcripts); short protein forms Q24fs, Q32fs, Q65fs.
Identifiers: ClinVar variation 2505461 (VCV002505461.1), dbSNP rs2537272542, ClinGen allele CA2580614334.

ClinVar aggregate classification (germline): Pathogenic (1 of 4 stars; one submission).

Conditions:
Hypogonadotropic hypogonadism 2 with or without anosmia (HH2). Also called: FGFR1-Related GnRH Deficiency (Kallmann Syndrome 2); HYPOGONADOTROPIC HYPOGONADISM 2 WITHOUT ANOSMIA; HYPOGONADOTROPIC HYPOGONADISM 2 WITH OR WITHOUT ANOSMIA, SUSCEPTIBILITY TO; HYPOGONADOTROPIC HYPOGONADISM 2 WITHOUT ANOSMIA, SUSCEPTIBILITY TO. Identifiers: Orphanet 478, MedGen C1563720, MONDO:0007844, OMIM 147950. Disease mechanism: loss of function.

Submission:

Reproductive Endocrine Unit, Massachusetts General Hospital
Classification: Pathogenic for Hypogonadotropic hypogonadism 2 with or without anosmia. Last evaluated: 2023-05-04. Review status: criteria provided, single submitter. Criteria: ACMG Guidelines, 2015. Collection method: research. Allele origin: unknown. Affected: yes. Observed: 1 variant allele.
Comment: The variant NM_023110.2:c.94_95dup, p.(Gln32Hisfs*72) het has been classified as P1c based on the variant meeting the following ACMG Criteria: PVS1,PM2,PP3.